The following is an entry in ClinVar:

ClinVar aggregate classification (germline): Uncertain significance. Review status: criteria provided, multiple submitters, no conflicts (2 of 4 stars). 2 submissions from 2 submitters: Uncertain significance (2). Last evaluated 2025-05-06.

Conditions:
Primary dilated cardiomyopathy (DCM). Also called: Dilated Cardiomyopathy. Identifiers: Orphanet 217604, MedGen C0007193, MeSH D002311, MONDO:0005021, HP:0001644. Inheritance: Various modes of inheritance.

Allele frequency attached by ClinVar (database versions not stated): gnomAD exomes 0.00004 and 0.00007; gnomAD 0.00007 and 0.00010; TOPMed 0.00010; ExAC 0.00011; 1000 Genomes Project 0.00040; 1000 Genomes Project 30x 0.00047.
gnomAD v4.1: 76 of 1,612,704 alleles (0.0047%); highest among the groups gnomAD compares: South Asian, 0.05%; 3 homozygotes.

Submissions (2):

Labcorp Genetics (formerly Invitae), Labcorp
Classification: Uncertain significance for Primary dilated cardiomyopathy. Last evaluated: 2025-05-06. Review status: criteria provided, single submitter. Criteria: Invitae Variant Classification Sherloc (09022015). Collection method: clinical testing. Allele origin: germline.
Comment: This sequence change replaces methionine, which is neutral and non-polar, with valine, which is neutral and non-polar, at codon 950 of the NEBL protein (p.Met950Val). This variant is present in population databases (rs201838351, gnomAD 0.04%). This variant has not been reported in the literature in individuals affected with NEBL-related conditions. ClinVar contains an entry for this variant (Variation ID: 1021013). An algorithm developed to predict the effect of missense changes on protein structure and function (PolyPhen-2) suggests that this variant is likely to be tolerated. In summary, the available evidence is currently insufficient to determine the role of this variant in disease. Therefore, it has been classified as a Variant of Uncertain Significance.

Ambry Genetics
Classification: Uncertain significance. Last evaluated: 2024-11-27. Review status: criteria provided, single submitter. Criteria: Ambry Variant Classification Scheme 2023. Collection method: clinical testing. Allele origin: germline.
Comment: The p.M950V variant (also known as c.2848A>G), located in coding exon 27 of the NEBL gene, results from an A to G substitution at nucleotide position 2848. The methionine at codon 950 is replaced by valine, an amino acid with highly similar properties. This amino acid position is conserved. In addition, this alteration is predicted to be tolerated by in silico analysis. Since supporting evidence is limited at this time, the clinical significance of this alteration remains unclear.

NM_006393.3(NEBL):c.2848A>G (p.Met950Val)

Gene: NEBL (nebulette; minus strand). Cytogenetic location: 10p12.31.
Variant type: single nucleotide variant.
Coding change: c.2848A>G on transcript NM_006393.3 (MANE Select); coding-DNA position 2848, A replaced by G.
Protein change: p.Met950Val; replaces methionine 950 with valine.
Molecular consequence: missense variant.
Genome position (GRCh38, 1-based): chr10:20,787,222, T>C on the plus strand (A>G on the coding strand, the complement: NEBL is on the minus strand). VCF-style: chr10-20787222-T-C. GRCh37 (hg19) VCF-style: chr10-21076151-T-C.
Other names: c.616A>G, p.Met206Val (NM_001173484.2, NM_213569.2); c.709A>G, p.Met237Val (NM_001377322.1); c.568A>G, p.Met190Val (NM_001377323.1); c.559A>G, p.Met187Val (NM_001377324.1); c.550A>G, p.Met184Val (NM_001377325.1); c.508A>G, p.Met170Val (NM_001377326.1, NM_001377327.1, NM_001377328.1); short protein forms M170V, M184V, M187V, M190V, M206V, M237V, M950V.
Identifiers: ClinVar variation 1021013 (VCV001021013.10), dbSNP rs201838351, ClinGen allele CA5432302.